The following is an entry in ClinVar:

ClinVar aggregate classification (germline): Conflicting classifications of pathogenicity. Review status: criteria provided, conflicting classifications (1 of 4 stars). 2 submissions from 2 submitters: Uncertain significance (1); Likely benign (1). Last evaluated 2025-01-17.

Conditions:
Hereditary cancer-predisposing syndrome. Also called: Hereditary neoplastic syndrome; Tumor predisposition; Neoplastic Syndromes, Hereditary; Hereditary Cancer Syndrome. Identifiers: Orphanet 140162, MedGen C0027672, MeSH D009386, MONDO:0015356.
Hereditary diffuse gastric adenocarcinoma (HDGC). Also called: DIFFUSE GASTRIC AND LOBULAR BREAST CANCER SYNDROME. Identifiers: Orphanet 26106, MedGen C1708349, MONDO:0007648, OMIM 137215.

Submissions (2):

Ambry Genetics
Classification: Likely benign for Hereditary cancer-predisposing syndrome. Last evaluated: 2025-01-17. Review status: criteria provided, single submitter. Criteria: Ambry Variant Classification Scheme 2023. Collection method: clinical testing. Allele origin: germline.

Labcorp Genetics (formerly Invitae), Labcorp
Classification: Uncertain significance for Hereditary diffuse gastric adenocarcinoma. Last evaluated: 2022-08-05. Review status: criteria provided, single submitter. Criteria: Invitae Variant Classification Sherloc (09022015). Collection method: clinical testing. Allele origin: germline.
Comment: In summary, the available evidence is currently insufficient to determine the role of this variant in disease. Therefore, it has been classified as a Variant of Uncertain Significance. Algorithms developed to predict the effect of missense changes on protein structure and function (SIFT, PolyPhen-2, Align-GVGD) all suggest that this variant is likely to be tolerated. This variant has not been reported in the literature in individuals affected with CDH1-related conditions. This variant is not present in population databases (gnomAD no frequency). This sequence change replaces alanine, which is neutral and non-polar, with aspartic acid, which is acidic and polar, at codon 446 of the CDH1 protein (p.Ala446Asp).

NM_004360.5(CDH1):c.1337C>A (p.Ala446Asp)

Gene: CDH1 (cadherin 1; plus strand). Cytogenetic location: 16q22.1.
Variant type: single nucleotide variant.
Coding change: c.1337C>A on transcript NM_004360.5 (MANE Select); coding-DNA position 1337, C replaced by A.
Protein change: p.Ala446Asp; replaces alanine 446 with aspartic acid.
Molecular consequence: missense variant. On other transcripts: 5 prime UTR variant (2).
Genome position (GRCh38, 1-based): chr16:68,815,531, C>A. VCF-style: chr16-68815531-C-A. GRCh37 (hg19) VCF-style: chr16-68849434-C-A.
Other names: c.1154C>A, p.Ala385Asp (NM_001317184.2); c.-212C>A (NM_001317185.2); c.-483C>A (NM_001317186.2); short protein forms A385D, A446D.
Identifiers: ClinVar variation 1715071 (VCV001715071.7), dbSNP rs1960958031, ClinGen allele CA396462698.